The following is an entry in ClinVar:

ClinVar aggregate classification (germline): Uncertain significance (1 of 4 stars; one submission).

gnomAD v4.1: 1 of 1,614,172 alleles (0.000062%); highest among the groups gnomAD compares: Non-Finnish European, 0.000085%; no homozygotes.

Submission:

Labcorp Genetics (formerly Invitae), Labcorp
Classification: Uncertain significance. Last evaluated: 2025-10-09. Review status: criteria provided, single submitter. Criteria: Invitae Variant Classification Sherloc (09022015). Collection method: clinical testing. Allele origin: germline.
Comment: This sequence change replaces alanine, which is neutral and non-polar, with valine, which is neutral and non-polar, at codon 52 of the FLNB protein (p.Ala52Val). This variant is not present in population databases (gnomAD no frequency). This variant has not been reported in the literature in individuals affected with FLNB-related conditions. Invitae Evidence Modeling of protein sequence and biophysical properties (such as structural, functional, and spatial information, amino acid conservation, physicochemical variation, residue mobility, and thermodynamic stability) indicates that this missense variant is not expected to disrupt FLNB protein function with a negative predictive value of 95%. In summary, the available evidence is currently insufficient to determine the role of this variant in disease. Therefore, it has been classified as a Variant of Uncertain Significance.

NM_001457.4(FLNB):c.155C>T (p.Ala52Val)

Gene: FLNB (filamin B; plus strand). Cytogenetic location: 3p14.3.
Variant type: single nucleotide variant.
Coding change: c.155C>T on transcript NM_001457.4 (MANE Select); coding-DNA position 155, C replaced by T.
Protein change: p.Ala52Val; replaces alanine 52 with valine.
Molecular consequence: missense variant.
Genome position (GRCh38, 1-based): chr3:58,008,719, C>T. VCF-style: chr3-58008719-C-T. GRCh37 (hg19) VCF-style: chr3-57994446-C-T.
Other names: c.155C>T, p.Ala52Val (NM_001164317.2, NM_001164318.2, NM_001164319.2); short protein forms A52V.
Identifiers: ClinVar variation 4801678 (VCV004801678.1).